The following is an entry in ClinVar:

ClinVar aggregate classification (germline): Uncertain significance (1 of 4 stars; one submission).

Conditions:
Neurodevelopmental disorder with hypotonia, impaired language, and dysmorphic features. Also called: Intellectual disability, autosomal dominant 40. Identifiers: Orphanet 692193, MedGen C5676894, MONDO:0014699, OMIM 616579.

Submission:

Neuberg Centre For Genomic Medicine, NCGM
Classification: Uncertain significance for Neurodevelopmental disorder with hypotonia, impaired language, and dysmorphic features. Last evaluated: 2023-06-22. Review status: criteria provided, single submitter. Criteria: ACMG Guidelines, 2015. Collection method: clinical testing. Allele origin: germline. Inheritance: Autosomal dominant inheritance. Affected: yes.
Comment: The missense variant c.1663C>T p.Arg555Trp in CHAMP1 gene has not been reported previously as a pathogenic variant nor as a benign variant, to our knowledge. The observed variant is absent in gnomAD exomes database. This variant has not been submitted to the ClinVar database. Multiple lines of computational evidence Polyphen - benign, SIFT - tolerated and MutationTaster - disease causing predicts conflicting evidence on protein structure and function for this variant. The amino acid change p.Arg555Trp in CHAMP1 is predicted as conserved by GERP++ and PhyloP across 100 vertebrates. The amino acid Arg at position 555 is changed to a Trp changing protein sequence and it might alter its composition and physico-chemical properties. For these reasons, this variant has been classified as Uncertain Significance VUS.

NM_032436.4(CHAMP1):c.1663C>T (p.Arg555Trp)

Gene: CHAMP1 (chromosome alignment maintaining phosphoprotein 1; plus strand). Cytogenetic location: 13q34.
Variant type: single nucleotide variant.
Coding change: c.1663C>T on transcript NM_032436.4 (MANE Select); coding-DNA position 1663, C replaced by T.
Protein change: p.Arg555Trp; replaces arginine 555 with tryptophan.
Molecular consequence: missense variant.
Genome position (GRCh38, 1-based): chr13:114,325,505, C>T. VCF-style: chr13-114325505-C-T. GRCh37 (hg19) VCF-style: chr13-115090980-C-T.
Other names: c.1663C>T, p.Arg555Trp (NM_001164144.3, NM_001164145.3); short protein forms R555W.
Identifiers: ClinVar variation 3391375 (VCV003391375.1).